The following is an entry in ClinVar:

ClinVar aggregate classification (germline): Uncertain significance (1 of 4 stars; one submission).

Conditions:
Cardiovascular phenotype. Identifiers: MedGen CN230736.

gnomAD v4.1: 1 of 1,614,168 alleles (0.000062%); highest among the groups gnomAD compares: Non-Finnish European, 0.000085%; no homozygotes.

Submission:

Ambry Genetics
Classification: Uncertain significance for Cardiovascular phenotype. Last evaluated: 2025-10-11. Review status: criteria provided, single submitter. Criteria: Ambry Variant Classification Scheme 2023. Collection method: clinical testing. Allele origin: germline.
Comment: The p.E486Q variant (also known as c.1456G>C), located in coding exon 11 of the ABCA1 gene, results from a G to C substitution at nucleotide position 1456. The glutamic acid at codon 486 is replaced by glutamine, an amino acid with highly similar properties. This amino acid position is conserved. In addition, the in silico prediction for this alteration is inconclusive. Based on the available evidence, the clinical significance of this variant remains unclear.

NM_005502.4(ABCA1):c.1456G>C (p.Glu486Gln)

Gene: ABCA1 (ATP binding cassette subfamily A member 1; minus strand). Cytogenetic location: 9q31.1.
Variant type: single nucleotide variant.
Coding change: c.1456G>C on transcript NM_005502.4 (MANE Select); coding-DNA position 1456, G replaced by C.
Protein change: p.Glu486Gln; replaces glutamic acid 486 with glutamine.
Molecular consequence: missense variant.
Genome position (GRCh38, 1-based): chr9:104,832,627, C>G on the plus strand (G>C on the coding strand, the complement: ABCA1 is on the minus strand). VCF-style: chr9-104832627-C-G. GRCh37 (hg19) VCF-style: chr9-107594908-C-G.
Other names: short protein forms E486Q.
Identifiers: ClinVar variation 4613277 (VCV004613277.1).